The following is an entry in ClinVar:

ClinVar aggregate classification (germline): Uncertain significance (1 of 4 stars; one submission).

Conditions:
Autosomal recessive limb-girdle muscular dystrophy type 2J (LGMDR10). Also called: Limb-girdle muscular dystrophy, type 2J; MUSCULAR DYSTROPHY, LIMB-GIRDLE, AUTOSOMAL RECESSIVE 10. Identifiers: Orphanet 140922, MedGen C1837342, MONDO:0012127, OMIM 608807.
Dilated cardiomyopathy 1G (CMD1G). Identifiers: Orphanet 154, MedGen C1858763, MONDO:0011400, OMIM 604145.

Submission:

Labcorp Genetics (formerly Invitae), Labcorp
Classification: Uncertain significance for Dilated cardiomyopathy 1G; Autosomal recessive limb-girdle muscular dystrophy type 2J. Last evaluated: 2023-04-16. Review status: criteria provided, single submitter. Criteria: Invitae Variant Classification Sherloc (09022015). Collection method: clinical testing. Allele origin: unknown.
Comment: In summary, the available evidence is currently insufficient to determine the role of this variant in disease. Therefore, it has been classified as a Variant of Uncertain Significance. This variant is located in the Z band of TTN (PMID: 25589632). Variants in this region may be clinically relevant, but have not been definitively shown to cause cardiomyopathy or neuromuscular disease (PMID: 27493940, 32778822). ClinVar contains an entry for this variant (Variation ID: 842360). This variant has not been reported in the literature in individuals affected with TTN-related conditions. This variant results in the deletion of exon 9 and part of exon 10 (c.1398+320_1624del) of the TTN gene. It is expected to disrupt RNA splicing and likely results in a truncated or disrupted TTN protein.

Literature cited by the submitters: PubMed 25589632; PubMed 27493940; PubMed 32778822.

NC_000002.11:g.(?_179656837)_(179658806_?)del

Gene: TTN (titin; minus strand). Cytogenetic location: 2q31.2.
Variant type: Deletion.
Identifiers: ClinVar variation 3247310 (VCV003247310.1).